The following is an entry in ClinVar:

NM_002519.3(NPAT):c.3151A>G (p.Ser1051Gly)

Gene: NPAT (nuclear protein, coactivator of histone transcription; minus strand). Cytogenetic location: 11q22.3.
Variant type: single nucleotide variant.
Coding change: c.3151A>G on transcript NM_002519.3 (MANE Select); coding-DNA position 3151, A replaced by G.
Protein change: p.Ser1051Gly; replaces serine 1051 with glycine.
Molecular consequence: missense variant.
Genome position (GRCh38, 1-based): chr11:108,161,935, T>C on the plus strand (A>G on the coding strand, the complement: NPAT is on the minus strand). VCF-style: chr11-108161935-T-C. GRCh37 (hg19) VCF-style: chr11-108032662-T-C.
Other names: c.3172A>G, p.Ser1058Gly (NM_001321307.1); short protein forms S1058G, S1051G.
Identifiers: ClinVar variation 2496689 (VCV002496689.2), dbSNP rs757562197, ClinGen allele CA6263636.

ClinVar aggregate classification (germline): Uncertain significance (1 of 4 stars; one submission).

Allele frequency attached by ClinVar (database versions not stated): ExAC 0.00001; gnomAD 0.00001.
gnomAD v4.1: 30 of 1,607,614 alleles (0.0019%); highest among the groups gnomAD compares: Non-Finnish European, 0.0025%; no homozygotes.

Submission:

Ambry Genetics
Classification: Uncertain significance. Last evaluated: 2022-11-16. Review status: criteria provided, single submitter. Criteria: Ambry Variant Classification Scheme 2023. Collection method: clinical testing. Allele origin: germline.
Comment: The p.S1051G variant (also known as c.3151A>G), located in coding exon 17 of the NPAT gene, results from an A to G substitution at nucleotide position 3151. The serine at codon 1051 is replaced by glycine, an amino acid with similar properties. This amino acid position is conserved. In addition, this alteration is predicted to be tolerated by in silico analysis. Since supporting evidence is limited at this time, the clinical significance of this alteration remains unclear.